The following is an entry in ClinVar:

NM_015047.3(EMC1):c.2633T>G (p.Leu878Arg)

Genes: EMC1 (ER membrane protein complex subunit 1; minus strand), EMC1-AS1 (EMC1 antisense RNA 1; plus strand). Cytogenetic location: 1p36.13.
Variant type: single nucleotide variant.
Coding change: c.2633T>G on transcript NM_015047.3 (MANE Select); coding-DNA position 2633, T replaced by G.
Protein change: p.Leu878Arg; replaces leucine 878 with arginine.
Molecular consequence: missense variant.
Genome position (GRCh38, 1-based): chr1:19,220,803, A>C on the plus strand (T>G on the coding strand, the complement: EMC1 is on the minus strand). VCF-style: chr1-19220803-A-C. GRCh37 (hg19) VCF-style: chr1-19547297-A-C.
Other names: c.2630T>G, p.Leu877Arg (NM_001271427.2, NM_001271428.2); c.2567T>G, p.Leu856Arg (NM_001271429.2); c.2642T>G, p.Leu881Arg (NM_001375820.1); c.2639T>G, p.Leu880Arg (NM_001375821.1); short protein forms L881R, L856R, L877R, L878R, L880R.
Identifiers: ClinVar variation 1047228 (VCV001047228.10), dbSNP rs202180622, ClinGen allele CA652204.

ClinVar aggregate classification (germline): Uncertain significance. Review status: criteria provided, multiple submitters, no conflicts (2 of 4 stars). 2 submissions from 2 submitters: Uncertain significance (2). Last evaluated 2024-05-22.

Allele frequency attached by ClinVar (database versions not stated): TOPMed below 0.00001; gnomAD 0.00001; gnomAD exomes 0.00002; ExAC 0.00003; 1000 Genomes Project 30x 0.00016; 1000 Genomes Project 0.00020.

Submissions (2):

Labcorp Genetics (formerly Invitae), Labcorp
Classification: Uncertain significance. Last evaluated: 2024-05-22. Review status: criteria provided, single submitter. Criteria: Invitae Variant Classification Sherloc (09022015). Collection method: clinical testing. Allele origin: germline.
Comment: This sequence change replaces leucine, which is neutral and non-polar, with arginine, which is basic and polar, at codon 878 of the EMC1 protein (p.Leu878Arg). This variant is present in population databases (rs202180622, gnomAD 0.02%). This variant has not been reported in the literature in individuals affected with EMC1-related conditions. ClinVar contains an entry for this variant (Variation ID: 1047228). Advanced modeling of protein sequence and biophysical properties (such as structural, functional, and spatial information, amino acid conservation, physicochemical variation, residue mobility, and thermodynamic stability) performed at Invitae indicates that this missense variant is expected to disrupt EMC1 protein function with a positive predictive value of 80%. In summary, the available evidence is currently insufficient to determine the role of this variant in disease. Therefore, it has been classified as a Variant of Uncertain Significance.

Blueprint Genetics
Classification: Uncertain significance. Last evaluated: 2022-09-27. Review status: criteria provided, single submitter. Criteria: ACMG Guidelines, 2015. Collection method: clinical testing. Allele origin: germline.